The following is an entry in ClinVar:

NM_001376232.1(ZP2):c.2096-5dup

Gene: ZP2 (zona pellucida glycoprotein 2; minus strand). Cytogenetic location: 16p12.3.
Variant type: Duplication.
Coding change: c.2096-5dup on transcript NM_001376232.1 (MANE Select); 5 bases into the intron before coding-DNA position 2096, one base duplicated (T; older notation c.2096-5dupT).
Molecular consequence: intron variant.
Genome position (GRCh38, 1-based): chr16:21,197,627, A duplicated on the plus strand (T on the coding strand, the reverse complement: ZP2 is on the minus strand); the first of 3 consecutive A bases (chr16:21,197,627-21,197,629); duplicating any one gives the same sequence. VCF-style (leftmost placement, unchanged base first): chr16-21197626-C-CA. GRCh37 (hg19) VCF-style: chr16-21208947-C-CA.
Other names: c.2069-5dup (NM_001376231.1); c.2129-5dup (NM_001376233.1); c.2096-5dup (NM_003460.2); c.2096-5dupT (NM_003460.2).
Identifiers: ClinVar variation 3051221 (VCV003051221.2), dbSNP rs773110618, ClinGen allele CA7949512.

ClinVar aggregate classification (germline): Likely benign (0 of 4 stars; one submission).

Conditions:
ZP2-related disorder. Also called: ZP2-related condition.

Submission:

PreventionGenetics, part of Exact Sciences
Classification: Likely benign for ZP2-related condition. Last evaluated: 2023-07-16. Review status: no assertion criteria provided. Collection method: clinical testing. Allele origin: germline.
Comment: This variant is classified as likely benign based on ACMG/AMP sequence variant interpretation guidelines (Richards et al. 2015 PMID: 25741868, with internal and published modifications).